The following is an entry in ClinVar:

NM_001040142.2(SCN2A):c.3446G>A (p.Gly1149Glu)

Gene: SCN2A (sodium voltage-gated channel alpha subunit 2; plus strand). Cytogenetic location: 2q24.3.
Variant type: single nucleotide variant.
Coding change: c.3446G>A on transcript NM_001040142.2 (MANE Select); coding-DNA position 3446, G replaced by A.
Protein change: p.Gly1149Glu; replaces glycine 1149 with glutamic acid.
Molecular consequence: missense variant.
Genome position (GRCh38, 1-based): chr2:165,365,189, G>A. VCF-style: chr2-165365189-G-A. GRCh37 (hg19) VCF-style: chr2-166221699-G-A.
Other names: c.3446G>A, p.Gly1149Glu (NM_001371247.1, NM_021007.3, NM_001040143.2 and 1 more transcripts); short protein forms G1149E.
Identifiers: ClinVar variation 1694974 (VCV001694974.31), dbSNP rs771772014, ClinGen allele CA349024615.
Genomic context (GRCh38, chr2:165,365,189, plus strand): 5'-GGATTGATTTTCAGAAGCTAAATGCAACTAGTTCATCTGAAGGCAGCACGGTTGATATTG[G>A]AGCTCCCGCCGAGGGAGAACAGCCTGAGGTTGAACCTGAGGAATCCCTTGAACCTGAAGC-3'
Protein context (NP_001035232.1, residues 1139-1159): SSSEGSTVDI[Gly1149Glu]APAEGEQPEV

ClinVar aggregate classification (germline): Uncertain significance (1 of 4 stars; one submission).

Submission:

CeGaT Center for Human Genetics Tuebingen
Classification: Uncertain significance. Last evaluated: 2022-05-01. Review status: criteria provided, single submitter. Criteria: CeGaT Center For Human Genetics Tuebingen Variant Classification Criteria Version 2. Collection method: clinical testing. Allele origin: germline. Affected: yes. Observed: 1 variant allele.
Comment: SCN2A: PM2